The following is an entry in ClinVar:

ClinVar aggregate classification (germline): Uncertain significance. Review status: criteria provided, multiple submitters, no conflicts (2 of 4 stars). 4 submissions from 4 submitters: Uncertain significance (4). Last evaluated 2024-05-07.

Conditions:
Inborn genetic diseases. Identifiers: MedGen C0950123, MeSH D030342.
Junctional epidermolysis bullosa with pyloric atresia. Also called: Epidermolysis bullosa, junctional, with pyloric atresia and aplasia cutis congenita; Epidermolysis bullosa junctionalis with pyloric atresia; APLASIA CUTIS CONGENITA WITH GASTROINTESTINAL ATRESIA; CARMI SYNDROME; EB-PA-ACC; EPIDERMOLYSIS BULLOSA, JUNCTIONAL 5B, WITH PYLORIC ATRESIA. Identifiers: Orphanet 79403, MedGen C5676875, MONDO:0009183, OMIM 226730.
Epidermolysis bullosa, junctional 5A, intermediate. Also called: EPIDERMOLYSIS BULLOSA, JUNCTIONAL 5A, GENERALIZED INTERMEDIATE; EPIDERMOLYSIS BULLOSA, JUNCTIONAL 5A, NON-HERLITZ TYPE. Identifiers: MedGen C5676956, MONDO:0030768, OMIM 619816.

Allele frequency attached by ClinVar (database versions not stated): gnomAD 0.00001; gnomAD exomes 0.00003; TOPMed 0.00003; ExAC 0.00006.
gnomAD v4.1: 40 of 1,605,530 alleles (0.0025%); highest among the groups gnomAD compares: East Asian, 0.0067%; no homozygotes.

Submissions (4):

Fulgent Genetics
Classification: Uncertain significance for Junctional epidermolysis bullosa with pyloric atresia; Epidermolysis bullosa, junctional 5A, intermediate. Last evaluated: 2024-05-07. Review status: criteria provided, single submitter. Criteria: ACMG Guidelines, 2015. Collection method: clinical testing. Allele origin: germline.

Mayo Clinic Laboratories, Mayo Clinic
Classification: Uncertain significance. Last evaluated: 2024-02-15. Review status: criteria provided, single submitter. Criteria: ACMG Guidelines, 2015. Collection method: clinical testing. Allele origin: germline. Observed: 1 variant allele.

Ambry Genetics
Classification: Uncertain significance for Inborn genetic diseases. Last evaluated: 2022-05-27. Review status: criteria provided, single submitter. Criteria: Ambry Variant Classification Scheme 2023. Collection method: clinical testing. Allele origin: germline.

Labcorp Genetics (formerly Invitae), Labcorp
Classification: Uncertain significance. Last evaluated: 2021-11-02. Review status: criteria provided, single submitter. Criteria: Invitae Variant Classification Sherloc (09022015). Collection method: clinical testing. Allele origin: germline.
Comment: This sequence change replaces arginine, which is basic and polar, with tryptophan, which is neutral and slightly polar, at codon 413 of the ITGB4 protein (p.Arg413Trp). This variant is present in population databases (rs778658308, gnomAD 0.02%). This variant has not been reported in the literature in individuals affected with ITGB4-related conditions. Algorithms developed to predict the effect of missense changes on protein structure and function are either unavailable or do not agree on the potential impact of this missense change (SIFT: "Not Available"; PolyPhen-2: "Probably Damaging"; Align-GVGD: "Not Available"). In summary, the available evidence is currently insufficient to determine the role of this variant in disease. Therefore, it has been classified as a Variant of Uncertain Significance.

NM_000213.5(ITGB4):c.1237C>T (p.Arg413Trp)

Gene: ITGB4 (integrin subunit beta 4; plus strand). Cytogenetic location: 17q25.1.
Variant type: single nucleotide variant.
Coding change: c.1237C>T on transcript NM_000213.5 (MANE Select); coding-DNA position 1237, C replaced by T.
Protein change: p.Arg413Trp; replaces arginine 413 with tryptophan.
Molecular consequence: missense variant.
Genome position (GRCh38, 1-based): chr17:75,731,833, C>T. VCF-style: chr17-75731833-C-T. GRCh37 (hg19) VCF-style: chr17-73727914-C-T.
Other names: p.Arg413Trp; c.1237C>T, p.Arg413Trp (NM_001005619.2, NM_001005731.3, NM_001321123.2); short protein forms R413W.
Identifiers: ClinVar variation 1416963 (VCV001416963.6), dbSNP rs778658308, ClinGen allele CA8768944.